The following is an entry in ClinVar:

NM_000235.4(LIPA):c.316T>A (p.Phe106Ile)

Gene: LIPA (lipase A, lysosomal acid type; minus strand). Cytogenetic location: 10q23.31.
Variant type: single nucleotide variant.
Coding change: c.316T>A on transcript NM_000235.4 (MANE Select); coding-DNA position 316, T replaced by A.
Protein change: p.Phe106Ile; replaces phenylalanine 106 with isoleucine.
Molecular consequence: missense variant. On other transcripts: 5 prime UTR variant (1).
Genome position (GRCh38, 1-based): chr10:89,228,312, A>T on the plus strand (T>A on the coding strand, the complement: LIPA is on the minus strand). VCF-style: chr10-89228312-A-T. GRCh37 (hg19) VCF-style: chr10-90988069-A-T.
Other names: c.316T>A, p.Phe106Ile (NM_001127605.3); c.-33T>A (NM_001288979.2); short protein forms F106I.
Identifiers: ClinVar variation 695061 (VCV000695061.2), dbSNP rs773533216, ClinGen allele CA5593762.

ClinVar aggregate classification (germline): Likely pathogenic (1 of 4 stars; one submission).

Conditions:
Lysosomal acid lipase deficiency. Also called: Acid cholesteryl ester hydrolase deficiency, type 2. Identifiers: Orphanet 275761, MedGen C5574740, MONDO:0800449, MONDO:0010204.

Allele frequency attached by ClinVar (database versions not stated): TOPMed below 0.00001; ExAC 0.00001.

Submission:

Alexion, Astrazeneca Rare Disease, Astrazeneca
Classification: Likely pathogenic for Lysosomal acid lipase deficiency. Last evaluated: 2019-06-01. Review status: criteria provided, single submitter. Criteria: ACMG Guidelines, 2015. Collection method: research. Allele origin: germline.
Comment: ACMG PS3 criterion ascertained by in-vitro functional study, PMID:31180157

Literature cited by the submitters: PubMed 31180157.